The following is an entry in ClinVar:

ClinVar aggregate classification (germline): Uncertain significance. Review status: criteria provided, multiple submitters, no conflicts (2 of 4 stars). 2 submissions from 2 submitters: Uncertain significance (2). Last evaluated 2025-10-08.

Conditions:
Inborn genetic diseases. Identifiers: MedGen C0950123, MeSH D030342.

Submissions (2):

GeneDx
Classification: Uncertain significance. Last evaluated: 2025-10-08. Review status: criteria provided, single submitter. Criteria: GeneDx Variant Classification Process June 2021. Collection method: clinical testing. Allele origin: germline. Affected: yes.
Comment: Not observed at significant frequency in large population cohorts (gnomAD); In silico analysis supports that this missense variant has a deleterious effect on protein structure/function; Has not been previously published as pathogenic or benign to our knowledge

Ambry Genetics
Classification: Uncertain significance for Inborn genetic diseases. Last evaluated: 2022-11-09. Review status: criteria provided, single submitter. Criteria: Ambry Variant Classification Scheme 2023. Collection method: clinical testing. Allele origin: germline.
Comment: The c.889G>A (p.E297K) alteration is located in exon 7 (coding exon 7) of the PPP2CA gene. This alteration results from a G to A substitution at nucleotide position 889, causing the glutamic acid (E) at amino acid position 297 to be replaced by a lysine (K). This variant was not reported in population-based cohorts in the Genome Aggregation Database (gnomAD). This amino acid position is highly conserved in available vertebrate species. This alteration is predicted to be tolerated by in silico analysis. Based on insufficient or conflicting evidence, the clinical significance of this alteration remains unclear.

NM_002715.4(PPP2CA):c.889G>A (p.Glu297Lys)

Gene: PPP2CA (protein phosphatase 2 catalytic subunit alpha; minus strand). Cytogenetic location: 5q31.1.
Variant type: single nucleotide variant.
Coding change: c.889G>A on transcript NM_002715.4 (MANE Select); coding-DNA position 889, G replaced by A.
Protein change: p.Glu297Lys; replaces glutamic acid 297 with lysine.
Molecular consequence: missense variant. On other transcripts: non-coding transcript variant (1).
Genome position (GRCh38, 1-based): chr5:134,197,813, C>T on the plus strand (G>A on the coding strand, the complement: PPP2CA is on the minus strand). VCF-style: chr5-134197813-C-T. GRCh37 (hg19) VCF-style: chr5-133533504-C-T.
Other names: c.694G>A, p.Glu232Lys (NM_001355019.2); short protein forms E297K, E232K.
Identifiers: ClinVar variation 2314421 (VCV002314421.4), dbSNP rs2481044681, ClinGen allele CA360997550.